The following is an entry in ClinVar:

ClinVar aggregate classification (germline): Conflicting classifications of pathogenicity. Review status: criteria provided, conflicting classifications (1 of 4 stars). 2 submissions from 2 submitters: Uncertain significance (1); Likely benign (1). Last evaluated 2026-08-21.

Conditions:
Adams-Oliver syndrome 5 (AOS5). Identifiers: Orphanet 974, MedGen C4014970, MONDO:0014459, OMIM 616028.
Familial thoracic aortic aneurysm and aortic dissection (TAAD). Also called: Thoracic aortic aneurysms and dissections. Identifiers: Orphanet 91387, MedGen C4707243, MONDO:0019625.

Allele frequency attached by ClinVar (database versions not stated): TOPMed below 0.00001; gnomAD 0.00001.
gnomAD v4.1: 5 of 1,612,674 alleles (0.00031%); highest among the groups gnomAD compares: Admixed American, 0.0067%; no homozygotes.

Submissions (2):

Ambry Genetics
Classification: Uncertain significance for Familial thoracic aortic aneurysm and aortic dissection. Last evaluated: 2026-08-21. Review status: criteria provided, single submitter. Criteria: Ambry Variant Classification Scheme 2023. Collection method: clinical testing. Allele origin: germline.
Comment: The p.R2179P variant (also known as c.6536G>C), located in coding exon 34 of the NOTCH1 gene, results from a G to C substitution at nucleotide position 6536. The arginine at codon 2179 is replaced by proline, an amino acid with dissimilar properties. This amino acid position is highly conserved in available vertebrate species. In addition, the in silico prediction for this alteration is inconclusive. Based on the available evidence, the clinical significance of this variant remains unclear.

Labcorp Genetics (formerly Invitae), Labcorp
Classification: Likely benign for Adams-Oliver syndrome 5. Last evaluated: 2024-10-23. Review status: criteria provided, single submitter. Criteria: Invitae Variant Classification Sherloc (09022015). Collection method: clinical testing. Allele origin: germline.

NM_017617.5(NOTCH1):c.6536G>C (p.Arg2179Pro)

Gene: NOTCH1 (notch receptor 1; minus strand). Cytogenetic location: 9q34.3.
Variant type: single nucleotide variant.
Coding change: c.6536G>C on transcript NM_017617.5 (MANE Select); coding-DNA position 6536, G replaced by C.
Protein change: p.Arg2179Pro; replaces arginine 2179 with proline.
Molecular consequence: missense variant.
Genome position (GRCh38, 1-based): chr9:136,497,203, C>G on the plus strand (G>C on the coding strand, the complement: NOTCH1 is on the minus strand). VCF-style: chr9-136497203-C-G. GRCh37 (hg19) VCF-style: chr9-139391655-C-G.
Other names: c.6536G>C (NM_017617.3); short protein forms R2179P.
Identifiers: ClinVar variation 1011533 (VCV001011533.9), dbSNP rs587778571, ClinGen allele CA5339877.